The following is an entry in ClinVar:

ClinVar aggregate classification (germline): Likely benign. Review status: criteria provided, multiple submitters, no conflicts (2 of 4 stars). 3 submissions from 3 submitters: Likely benign (2). 1 of the submissions does not count toward it. Last evaluated 2022-05-04.

Conditions:
PKHD1-related disorder. Also called: PKHD1-related condition.
Polycystic kidney disease 4 (PKD4). Also called: POLYCYSTIC KIDNEY AND HEPATIC DISEASE 1; POLYCYSTIC KIDNEY DISEASE, INFANTILE, TYPE I; PKD3; POLYCYSTIC KIDNEY DISEASE 4 WITH OR WITHOUT POLYCYSTIC LIVER DISEASE; Autosomal Recessive Polycystic Kidney Disease – PKHD1. Identifiers: MedGen C4540575, MONDO:0033004, OMIM 263200.

Allele frequency attached by ClinVar (database versions not stated): TOPMed 0.00003; 1000 Genomes Project 30x 0.00016; 1000 Genomes Project 0.00020; gnomAD exomes 0.00001 and 0.00002; ExAC 0.00002; gnomAD 0.00002 and 0.00003.
gnomAD v4.1: 28 of 1,613,618 alleles (0.0017%); highest among the groups gnomAD compares: African/African-American, 0.0093%; no homozygotes.

Submissions (3):

Fulgent Genetics
Classification: Likely benign for Polycystic kidney disease 4. Last evaluated: 2022-05-04. Review status: criteria provided, single submitter. Criteria: ACMG Guidelines, 2015. Collection method: clinical testing. Allele origin: unknown.

Women's Health and Genetics/Laboratory Corporation of America, LabCorp
Classification: Likely benign. Last evaluated: 2021-10-07. Review status: criteria provided, single submitter. Criteria: LabCorp Variant Classification Summary - May 2015. Collection method: clinical testing. Allele origin: germline.

PreventionGenetics, part of Exact Sciences
Classification: Likely benign for PKHD1-related condition. Last evaluated: 2021-06-09. Review status: no assertion criteria provided. Collection method: clinical testing. Allele origin: germline. Not counted in ClinVar's aggregate classification.
Comment: This variant is classified as likely benign based on ACMG/AMP sequence variant interpretation guidelines (Richards et al. 2015 PMID: 25741868, with internal and published modifications).

NM_138694.4(PKHD1):c.9075C>T (p.Gly3025=)

Gene: PKHD1 (PKHD1 ciliary IPT domain containing fibrocystin/polyductin; minus strand). Cytogenetic location: 6p12.3.
Variant type: single nucleotide variant.
Coding change: c.9075C>T on transcript NM_138694.4 (MANE Select); coding-DNA position 9075, C replaced by T.
Protein change: p.Gly3025=; no amino-acid change (glycine 3025 retained).
Molecular consequence: synonymous variant.
Genome position (GRCh38, 1-based): chr6:51,748,541, G>A on the plus strand (C>T on the coding strand, the complement: PKHD1 is on the minus strand). VCF-style: chr6-51748541-G-A. GRCh37 (hg19) VCF-style: chr6-51613339-G-A.
Other names: c.9075C>T, p.Gly3025= (NM_170724.3).
Identifiers: ClinVar variation 1321341 (VCV001321341.4), dbSNP rs200466480, ClinGen allele CA3851453.
Genomic context (GRCh38, chr6:51,748,541, plus strand): 5'-GCCAAACACAATATTGTCATTTAAAAGTACTCCATGACTGGCAGCTGCATGAATGCCCCC[G>A]CCACAGCTCTGGTGCAGAGTAGATGATATGATCCAGGATCCTGCTGACACATTACTGAAT-3'
Protein context (NP_619639.3, residues 3015-3035): IISSTLHQSC[Gly3025=]GGIHAAASHG